The following is an entry in ClinVar:

NM_000053.4(ATP7B):c.3624G>A (p.Thr1208=)

Gene: ATP7B (ATPase copper transporting beta; minus strand). Cytogenetic location: 13q14.3.
Variant type: single nucleotide variant.
Coding change: c.3624G>A on transcript NM_000053.4 (MANE Select); coding-DNA position 3624, G replaced by A.
Protein change: p.Thr1208=; no amino-acid change (threonine 1208 retained).
Molecular consequence: synonymous variant.
Genome position (GRCh38, 1-based): chr13:51,939,126, C>T on the plus strand (G>A on the coding strand, the complement: ATP7B is on the minus strand). VCF-style: chr13-51939126-C-T. GRCh37 (hg19) VCF-style: chr13-52513262-C-T.
Other names: c.3003G>A, p.Thr1001= (NM_001005918.3); c.3291G>A, p.Thr1097= (NM_001243182.2); c.3390G>A, p.Thr1130= (NM_001330578.2); c.3372G>A, p.Thr1124= (NM_001330579.2).
Identifiers: ClinVar variation 509558 (VCV000509558.23), dbSNP rs377267217, ClinGen allele CA6988619.

ClinVar aggregate classification (germline): Likely benign. Review status: criteria provided, multiple submitters, no conflicts (2 of 4 stars). 9 submissions from 9 submitters: Likely benign (8). 1 of the submissions does not count toward it. Last evaluated 2026-01-20.

Conditions:
ATP7B-related disorder. Also called: ATP7B-related condition.
Inborn genetic diseases. Identifiers: MedGen C0950123, MeSH D030342.
Wilson disease (WND). Also called: Wilson's disease. Identifiers: Orphanet 905, MedGen C0019202, MONDO:0010200, OMIM 277900. Disease mechanism: loss of function.

Allele frequency attached by ClinVar (database versions not stated): 1000 Genomes Project 30x 0.00031; ESP Exome Variant Server 0.00039; 1000 Genomes Project 0.00040; TOPMed 0.00061; gnomAD 0.00076.
gnomAD v4.1: 183 of 1,614,218 alleles (0.011%); highest among the groups gnomAD compares: African/African-American, 0.23%; no homozygotes.

Submissions (9):

Labcorp Genetics (formerly Invitae), Labcorp
Classification: Likely benign for Wilson disease. Last evaluated: 2026-01-20. Review status: criteria provided, single submitter. Criteria: Invitae Variant Classification Sherloc (09022015). Collection method: clinical testing. Allele origin: germline.

ARUP Laboratories, Molecular Genetics and Genomics, ARUP Laboratories
Classification: Likely benign for Wilson disease. Last evaluated: 2025-05-14. Review status: criteria provided, single submitter. Criteria: ARUP Molecular Germline Variant Investigation Process 2024. Collection method: clinical testing. Allele origin: germline.

Blueprint Genetics
Classification: Likely benign. Last evaluated: 2024-10-16. Review status: criteria provided, single submitter. Criteria: ACMG Guidelines, 2015. Collection method: clinical testing. Allele origin: germline.

All of Us Research Program, National Institutes of Health
Classification: Likely benign for Wilson disease. Last evaluated: 2024-01-11. Review status: criteria provided, single submitter. Criteria: ACMG Guidelines, 2015. Collection method: clinical testing. Allele origin: germline. Inheritance: Autosomal recessive inheritance. Observed: 31 variant alleles, 31 heterozygotes.
Comment: This study involves interpretation of variants in research participants for the purpose of population health screening. Participant phenotype was not available at the time of variant classification. Additional details can be found in publication PMID: 35346344, PMCID: PMC8962531

Color Diagnostics, LLC DBA Color Health
Classification: Likely benign for Wilson disease. Last evaluated: 2022-08-05. Review status: criteria provided, single submitter. Criteria: ACMG Guidelines, 2015. Collection method: clinical testing. Allele origin: germline.

Ambry Genetics
Classification: Likely benign for Inborn genetic diseases. Last evaluated: 2022-04-29. Review status: criteria provided, single submitter. Criteria: Ambry Variant Classification Scheme 2023. Collection method: clinical testing. Allele origin: germline.

Fulgent Genetics
Classification: Likely benign for Wilson disease. Last evaluated: 2021-08-05. Review status: criteria provided, single submitter. Criteria: ACMG Guidelines, 2015. Collection method: clinical testing. Allele origin: unknown.

GeneDx
Classification: Likely benign. Last evaluated: 2021-07-08. Review status: criteria provided, single submitter. Criteria: GeneDx Variant Classification Process June 2021. Collection method: clinical testing. Allele origin: germline. Affected: yes.

PreventionGenetics, part of Exact Sciences
Classification: Likely benign for ATP7B-related condition. Last evaluated: 2020-10-05. Review status: no assertion criteria provided. Collection method: clinical testing. Allele origin: germline. Not counted in ClinVar's aggregate classification.
Comment: This variant is classified as likely benign based on ACMG/AMP sequence variant interpretation guidelines (Richards et al. 2015 PMID: 25741868, with internal and published modifications).